The following is an entry in ClinVar:

NM_000046.5(ARSB):c.194C>T (p.Ser65Phe)

Genes: ARSB (arylsulfatase B; minus strand), LOC129994126 (ATAC-STARR-seq lymphoblastoid silent region 16127; plus strand). Cytogenetic location: 5q14.1.
Variant type: single nucleotide variant.
Coding change: c.194C>T on transcript NM_000046.5 (MANE Select); coding-DNA position 194, C replaced by T.
Protein change: p.Ser65Phe; replaces serine 65 with phenylalanine.
Molecular consequence: missense variant.
Genome position (GRCh38, 1-based): chr5:78,985,055, G>A on the plus strand (C>T on the coding strand, the complement: ARSB is on the minus strand). VCF-style: chr5-78985055-G-A. GRCh37 (hg19) VCF-style: chr5-78280878-G-A.
Other names: c.194C>T, p.Ser65Phe (NM_198709.3); short protein forms S65F.
Identifiers: ClinVar variation 559735 (VCV000559735.2), dbSNP rs1233331806, ClinGen allele CA360196784.
Genomic context (GRCh38, chr5:78,985,055, plus strand): 5'-TAGTTGTCCAGGAGCACCCCGCCGGCCGCCAGCGCGTCCAGGTGCGGCGTGCGGATGCGG[G>A]AGCCGTGGAAGCCGACGTCGTTCCAGCCTAGGTCGTCTGCCAGCAAGAAGACCAGGTGGG-3'
Protein context (NP_000037.2, residues 55-75): LGWNDVGFHG[Ser65Phe]RIRTPHLDAL

ClinVar aggregate classification (germline): Conflicting classifications of pathogenicity. Review status: criteria provided, conflicting classifications (1 of 4 stars). 2 submissions from 2 submitters: Pathogenic (1); Uncertain significance (1). Last evaluated 2025-02-10.

Conditions:
Mucopolysaccharidosis type 6 (MPS6). Also called: N-ACETYLGALACTOSAMINE-4-SULFATASE DEFICIENCY; MPS VI; MPS 6; Maroteaux Lamy syndrome; ARSB DEFICIENCY; ARYLSULFATASE B DEFICIENCY. Identifiers: Orphanet 583, MedGen C0026709, MONDO:0009661, OMIM 253200.

Submissions (2):

Women's Health and Genetics/Laboratory Corporation of America, LabCorp
Classification: Pathogenic for Mucopolysaccharidosis type 6. Last evaluated: 2025-02-10. Review status: criteria provided, single submitter. Criteria: LabCorp Variant Classification Summary - May 2015. Collection method: clinical testing. Allele origin: germline.
Comment: Variant summary: ARSB c.194C>T (p.Ser65Phe) results in a non-conservative amino acid change in the encoded protein sequence. Five of five in-silico tools predict a damaging effect of the variant on protein function. The variant was absent in 182476 control chromosomes (gnomAD). c.194C>T has been reported in the literature in multiple individuals affected with Mucopolysaccharidosis Type VI (Maroteaux-Lamy Syndrome; e.g. Villani_1999, Voskoboeva_2022). These data indicate that the variant is very likely to be associated with disease. The following publications have been ascertained in the context of this evaluation (PMID: 10036316, 35118118). ClinVar contains an entry for this variant (Variation ID: 559735). Based on the evidence outlined above, the variant was classified as pathogenic.

Laboratory of Diagnosis and Therapy of Lysosomal Disorders, University of Padova
Classification: Uncertain significance for Mucopolysaccharidosis type 6. Last evaluated: 2018-01-01. Review status: criteria provided, single submitter. Criteria: ACMG Guidelines, 2015. Collection method: curation. Allele origin: germline. Affected: yes.
Comment: Absent from GnomAD (PM2);

Literature cited by the submitters: PubMed 10036316 (cited by Women's Health and Genetics/Laboratory Corporation of America, LabCorp and Laboratory of Diagnosis and Therapy of Lysosomal Disorders, University of Padova); PubMed 35118118 (cited by Women's Health and Genetics/Laboratory Corporation of America, LabCorp); PubMed 30118150 (cited by Laboratory of Diagnosis and Therapy of Lysosomal Disorders, University of Padova).